The following is an entry in ClinVar:

NM_024426.6(WT1):c.691C>T (p.Pro231Ser)

Gene: WT1 (WT1 transcription factor; minus strand). Cytogenetic location: 11p13.
Variant type: single nucleotide variant.
Coding change: c.691C>T on transcript NM_024426.6 (MANE Select); coding-DNA position 691, C replaced by T.
Protein change: p.Pro231Ser; replaces proline 231 with serine.
Molecular consequence: missense variant. On other transcripts: non-coding transcript variant (1).
Genome position (GRCh38, 1-based): chr11:32,428,590, G>A on the plus strand (C>T on the coding strand, the complement: WT1 is on the minus strand). VCF-style: chr11-32428590-G-A. GRCh37 (hg19) VCF-style: chr11-32450136-G-A.
Other names: c.691C>T, p.Pro231Ser (NM_000378.6, NM_001407044.1, NM_001407045.1 and 4 more transcripts); c.40C>T, p.Pro14Ser (NM_001198551.2, NM_001198552.2); c.-72C>T (NM_001407051.1); c.676C>T, p.Pro226Ser (NM_024425.2); short protein forms P14S, P231S.
Identifiers: ClinVar variation 392045 (VCV000392045.10), dbSNP rs766425764, ClinGen allele CA065483.
Genomic context (GRCh38, chr11:32,428,590, plus strand): 5'-GCTTGAATGAGTGGTTGGGGAACTGCGCCGCATGGTGCGAGGGCGTGTGACCGTAGCTGG[G>A]CGTCCCGTCGAAGGTGACCGTGCTGTAACCTGCGGGAGCGGCGGAGAGAAGCACAGTGTC-3'
Protein context (NP_077744.4, residues 221-241): GYSTVTFDGT[Pro231Ser]SYGHTPSHHA

ClinVar aggregate classification (germline): Uncertain significance. Review status: criteria provided, multiple submitters, no conflicts (2 of 4 stars). 4 submissions from 4 submitters: Uncertain significance (4). Last evaluated 2026-02-22.

Conditions:
Aniridia 1 (AN1). Identifiers: Orphanet 250923, MedGen C0344542, MONDO:0024507, OMIM 106210.
Drash syndrome (DDS). Also called: WILMS TUMOR AND PSEUDO- OR TRUE HERMAPHRODITISM; NEPHROPATHY, WILMS TUMOR, AND GENITAL ANOMALIES. Identifiers: Orphanet 220, MedGen C0950121, MONDO:0008682, OMIM 194080.
Nephrotic syndrome, type 4 (NPHS4). Also called: Familial mesangial sclerosis; Nephrotic syndrome, early onset with diffuse mesangial sclerosis. Identifiers: Orphanet 656, MedGen C3151568, MONDO:0009733, OMIM 256370.
Meacham syndrome. Also called: Meacham Winn Culler syndrome. Identifiers: Orphanet 3097, MedGen C1837026, MONDO:0012164, OMIM 608978.
Wilms tumor 1 (WT1). Also called: Wilms tumor, somatic. Identifiers: Orphanet 654, MedGen CN033288, MONDO:0008679, OMIM 194070.
11p partial monosomy syndrome (WAGR). Also called: WAGR syndrome; CHROMOSOME 11p13 DELETION SYNDROME; WAGR Spectrum Disorder; WAGR Complex. Identifiers: Orphanet 893, MedGen C0206115, MONDO:0008681, OMIM 194072.
Mesothelioma, malignant (MESOM). Also called: Malignant mesothelioma (disease). Identifiers: Orphanet 50251, MedGen C0345967, MONDO:0006292, OMIM 156240, HP:0100001.
Frasier syndrome. Identifiers: Orphanet 347, MedGen C0950122, MeSH D052159, MONDO:0007635, OMIM 136680.
Inborn genetic diseases. Identifiers: MedGen C0950123, MeSH D030342.

Allele frequency attached by ClinVar (database versions not stated): ExAC 0.00001; gnomAD exomes 0.00001.
gnomAD v4.1: 5 of 1,613,874 alleles (0.00031%); highest among the groups gnomAD compares: Admixed American, 0.005%; no homozygotes.

Submissions (4):

Ambry Genetics
Classification: Uncertain significance for Inborn genetic diseases. Last evaluated: 2026-02-22. Review status: criteria provided, single submitter. Criteria: Ambry Variant Classification Scheme 2023. Collection method: clinical testing. Allele origin: germline.
Comment: The p.P226S variant (also known as c.676C>T), located in coding exon 2 of the WT1 gene, results from a C to T substitution at nucleotide position 676. The proline at codon 226 is replaced by serine, an amino acid with similar properties. This amino acid position is conserved. In addition, this alteration is predicted to be tolerated by in silico analysis. Based on the available evidence, the clinical significance of this variant remains unclear.

Labcorp Genetics (formerly Invitae), Labcorp
Classification: Uncertain significance for Wilms tumor 1; Drash syndrome; 11p partial monosomy syndrome; Frasier syndrome. Last evaluated: 2023-07-17. Review status: criteria provided, single submitter. Criteria: Invitae Variant Classification Sherloc (09022015). Collection method: clinical testing. Allele origin: germline.
Comment: In summary, the available evidence is currently insufficient to determine the role of this variant in disease. Therefore, it has been classified as a Variant of Uncertain Significance. An algorithm developed to predict the effect of missense changes on protein structure and function (PolyPhen-2) suggests that this variant¬¨‚Ä†is likely to be tolerated. ClinVar contains an entry for this variant (Variation ID: 392045). This variant has not been reported in the literature in individuals affected with WT1-related conditions. This variant is present in population databases (rs766425764, gnomAD 0.006%). This sequence change replaces proline, which is neutral and non-polar, with serine, which is neutral and polar, at codon 226 of the WT1 protein (p.Pro226Ser).

Fulgent Genetics
Classification: Uncertain significance for Aniridia 1; Frasier syndrome; Mesothelioma, malignant; Wilms tumor 1; 11p partial monosomy syndrome; Drash syndrome; Nephrotic syndrome, type 4; Meacham syndrome. Last evaluated: 2021-07-25. Review status: criteria provided, single submitter. Criteria: ACMG Guidelines, 2015. Collection method: clinical testing. Allele origin: unknown.

GeneDx
Classification: Uncertain significance. Last evaluated: 2017-01-11. Review status: criteria provided, single submitter. Criteria: GeneDx Variant Classification (06012015). Collection method: clinical testing. Allele origin: germline. Affected: yes.
Comment: The P226S variant in the WT1 gene has not, to our knowledge, been published in the literature as pathogenic or benign. This variant was not observed in approximately 6,500 individuals of European and African American ancestry in the NHLBI Exome Sequencing Project, suggesting it is not a common benign variant in these populations. Since Proline and Serine differ in polarity, charge, size or other properties, this is considered a non-conservative amino acid substitution. The P226S variant occurs at a position that is conserved in mammals and is not located in a known functional domain. In silico analyses predict that this variant is probably damaging to protein structure and function. Based on currently available evidence, we consider P226S to be a variant of uncertain significance.